The following is an entry in ClinVar:

NM_017617.5(NOTCH1):c.5123C>T (p.Ser1708Leu)

Gene: NOTCH1 (notch receptor 1; minus strand). Cytogenetic location: 9q34.3.
Variant type: single nucleotide variant.
Coding change: c.5123C>T on transcript NM_017617.5 (MANE Select); coding-DNA position 5123, C replaced by T.
Protein change: p.Ser1708Leu; replaces serine 1708 with leucine.
Molecular consequence: missense variant.
Genome position (GRCh38, 1-based): chr9:136,503,226, G>A on the plus strand (C>T on the coding strand, the complement: NOTCH1 is on the minus strand). VCF-style: chr9-136503226-G-A. GRCh37 (hg19) VCF-style: chr9-139397678-G-A.
Other names: short protein forms S1708L.
Identifiers: ClinVar variation 5025790 (VCV005025790.1).
Genomic context (GRCh38, chr9:136,503,226, plus strand): 5'-ATGGGGCCACACTTACTCTGCACGGCCTCGATCTTGTAGGGGATGTTGAGGCTGCCCAGC[G>A]AGGCGAGCGCTCCCAGGAATGCGGCCACGTCGGTGGCACTCTGGAAGCACTGCGAGGAGG-3'
Protein context (NP_060087.3, residues 1698-1718): DVAAFLGALA[Ser1708Leu]LGSLNIPYKI

ClinVar aggregate classification (germline): Uncertain significance (1 of 4 stars; one submission).

Conditions:
Familial thoracic aortic aneurysm and aortic dissection (TAAD). Also called: Thoracic aortic aneurysms and dissections. Identifiers: Orphanet 91387, MedGen C4707243, MONDO:0019625.

gnomAD v4.1: 3 of 1,612,702 alleles (0.00019%); highest among the groups gnomAD compares: East Asian, 0.0022%; no homozygotes.

Submission:

Ambry Genetics
Classification: Uncertain significance for Familial thoracic aortic aneurysm and aortic dissection. Last evaluated: 2026-07-01. Review status: criteria provided, single submitter. Criteria: Ambry Variant Classification Scheme 2023. Collection method: clinical testing. Allele origin: germline.
Comment: The p.S1708L variant (also known as c.5123C>T), located in coding exon 27 of the NOTCH1 gene, results from a C to T substitution at nucleotide position 5123. The serine at codon 1708 is replaced by leucine, an amino acid with dissimilar properties. This amino acid position is well conserved in available vertebrate species. In addition, this alteration is predicted to be tolerated by in silico analysis. Based on the available evidence, the clinical significance of this variant remains unclear.